The following is an entry in ClinVar:

ClinVar aggregate classification (germline): Uncertain significance (1 of 4 stars; one submission).

Allele frequency attached by ClinVar (database versions not stated): gnomAD 0.00001; ExAC 0.00002.

Submission:

Labcorp Genetics (formerly Invitae), Labcorp
Classification: Uncertain significance. Last evaluated: 2022-11-23. Review status: criteria provided, single submitter. Criteria: Invitae Variant Classification Sherloc (09022015). Collection method: clinical testing. Allele origin: germline.
Comment: This sequence change replaces arginine, which is basic and polar, with tryptophan, which is neutral and slightly polar, at codon 124 of the MTMR14 protein (p.Arg124Trp). This variant is present in population databases (rs374276198, gnomAD 0.01%). This variant has not been reported in the literature in individuals affected with MTMR14-related conditions. ClinVar contains an entry for this variant (Variation ID: 1355058). Algorithms developed to predict the effect of missense changes on protein structure and function (SIFT, PolyPhen-2, Align-GVGD) all suggest that this variant is likely to be disruptive. In summary, the available evidence is currently insufficient to determine the role of this variant in disease. Therefore, it has been classified as a Variant of Uncertain Significance.

NM_001077525.3(MTMR14):c.370C>T (p.Arg124Trp)

Gene: MTMR14 (myotubularin related protein 14; plus strand). Cytogenetic location: 3p25.3.
Variant type: single nucleotide variant.
Coding change: c.370C>T on transcript NM_001077525.3 (MANE Select); coding-DNA position 370, C replaced by T.
Protein change: p.Arg124Trp; replaces arginine 124 with tryptophan.
Molecular consequence: missense variant.
Genome position (GRCh38, 1-based): chr3:9,662,328, C>T. VCF-style: chr3-9662328-C-T. GRCh37 (hg19) VCF-style: chr3-9704012-C-T.
Other names: c.370C>T, p.Arg124Trp (NM_001077526.3, NM_022485.5); short protein forms R124W.
Identifiers: ClinVar variation 1355058 (VCV001355058.8), dbSNP rs374276198, ClinGen allele CA2240257.